The following is an entry in ClinVar:

NM_001256545.2(MEGF10):c.2362+2dup

Gene: MEGF10 (multiple EGF like domains 10; plus strand). Cytogenetic location: 5q23.2.
Variant type: Duplication.
Coding change: c.2362+2dup on transcript NM_001256545.2 (MANE Select); the canonical splice donor site of the intron after coding-DNA position 2362, one base duplicated (T; older notation c.2362+2dupT).
Molecular consequence: splice donor variant.
Genome position (GRCh38, 1-based): chr5:127,440,869, T duplicated. VCF-style (leftmost placement, unchanged base first): chr5-127440868-G-GT. GRCh37 (hg19) VCF-style: chr5-126776560-G-GT.
Other names: c.2362+2dup (NM_032446.3, NM_032446.2).
Identifiers: ClinVar variation 420779 (VCV000420779.6), dbSNP rs762560221, ClinGen allele CA3391906.

ClinVar aggregate classification (germline): Conflicting classifications of pathogenicity. Review status: criteria provided, conflicting classifications (1 of 4 stars). 2 submissions from 2 submitters: Likely pathogenic (1); Uncertain significance (1). Last evaluated 2022-07-05.

Conditions:
MEGF10-related myopathy (CMYO10A). Also called: Congenital myopathy 10A, severe variant. Identifiers: Orphanet 439212, MedGen C3280679, MONDO:0013731, OMIM 614399.

Allele frequency attached by ClinVar (database versions not stated): gnomAD 0.00001; gnomAD exomes 0.00001 and 0.00008; TOPMed 0.00003; ExAC 0.00004.

Submissions (2):

Labcorp Genetics (formerly Invitae), Labcorp
Classification: Uncertain significance for MEGF10-related myopathy. Last evaluated: 2022-07-05. Review status: criteria provided, single submitter. Criteria: Invitae Variant Classification Sherloc (09022015). Collection method: clinical testing. Allele origin: germline.
Comment: This sequence change falls in intron 19 of the MEGF10 gene. It does not directly change the encoded amino acid sequence of the MEGF10 protein. It affects a nucleotide within the consensus splice site. This variant is present in population databases (rs762560221, gnomAD 0.1%). This variant has not been reported in the literature in individuals affected with MEGF10-related conditions. ClinVar contains an entry for this variant (Variation ID: 420779). Variants that disrupt the consensus splice site are a relatively common cause of aberrant splicing (PMID: 17576681, 9536098). Algorithms developed to predict the effect of sequence changes on RNA splicing suggest that this variant may disrupt the consensus splice site. In summary, the available evidence is currently insufficient to determine the role of this variant in disease. Therefore, it has been classified as a Variant of Uncertain Significance.

GeneDx
Classification: Likely pathogenic. Last evaluated: 2016-03-28. Review status: criteria provided, single submitter. Criteria: GeneDx Variant Classification (06012015). Collection method: clinical testing. Allele origin: germline. Affected: yes.
Comment: The c.2362+2dupT variant in the MEGF10 gene has not been reported previously as a pathogenic variant nor as a benign variant, to our knowledge. This splice site variant destroys the canonical splice donor site in intron 19. It is predicted to cause abnormal gene splicing, either leading to an abnormal message that is subject to nonsense-mediated mRNA decay, or to an abnormal protein product if the message is used for protein translation. The c.2362+2dupT variant was not observed in approximately 6500 individuals of European and African American ancestry in the NHLBI Exome Sequencing Project, indicating it is not a common benign variant in these populations. The c.2362+2dupT variant is a strong candidate for a pathogenic variant, however the possibility it may be a rare benign variant cannot be excluded.

Literature cited by the submitters: PubMed 17576681 (cited by Labcorp Genetics (formerly Invitae), Labcorp); PubMed 9536098 (cited by Labcorp Genetics (formerly Invitae), Labcorp).